The following is an entry in ClinVar:

NM_001148.6(ANK2):c.1638A>G (p.Ala546=)

Gene: ANK2 (ankyrin 2; plus strand). Cytogenetic location: 4q26.
Variant type: single nucleotide variant.
Coding change: c.1638A>G on transcript NM_001148.6 (MANE Select); coding-DNA position 1638, A replaced by G.
Protein change: p.Ala546=; no amino-acid change (alanine 546 retained).
Molecular consequence: synonymous variant.
Genome position (GRCh38, 1-based): chr4:113,274,604, A>G. VCF-style: chr4-113274604-A-G. GRCh37 (hg19) VCF-style: chr4-114195760-A-G.
Other names: c.1575A>G, p.Ala525= (NM_001127493.3, NM_001354239.2, NM_001354243.2 and 14 more transcripts); c.1638A>G, p.Ala546= (NM_001354225.2, NM_001354228.2, NM_001354232.2 and 8 more transcripts); c.1683A>G, p.Ala561= (NM_001354230.2, NM_001354231.2, NM_001354237.2 and 5 more transcripts); c.1551A>G, p.Ala517= (NM_001354249.2, NM_001354260.2, NM_001354264.2 and 13 more transcripts); c.1596A>G, p.Ala532= (NM_001354261.2, NM_001386147.1, NM_001386160.1); c.1428A>G, p.Ala476= (NM_001354269.3); c.1440A>G, p.Ala480= (NM_001354273.2); c.1353A>G, p.Ala451= (NM_001354277.2, NM_001386157.1, NM_001386158.1); and 4 more.
Identifiers: ClinVar variation 406466 (VCV000406466.18), dbSNP rs372133055, ClinGen allele CA3050325.

ClinVar aggregate classification (germline): Benign/Likely benign. Review status: criteria provided, multiple submitters, no conflicts (2 of 4 stars). 5 submissions from 5 submitters: Benign (1); Likely benign (3). 1 of the submissions does not count toward it. Last evaluated 2026-04-03.

Conditions:
Cardiovascular phenotype. Identifiers: MedGen CN230736.
ANK2-related disorder. Also called: ANK2-related condition.
Long QT syndrome (LQTS). Identifiers: MedGen C0023976, MeSH D008133, MONDO:0002442. Disease mechanism: loss of function. Inheritance: Various modes of inheritance.

Allele frequency attached by ClinVar (database versions not stated): gnomAD exomes 0.00002 and 0.00006; ExAC 0.00005; ESP Exome Variant Server 0.00008; gnomAD 0.00017 and 0.00019; TOPMed 0.00021.
gnomAD v4.1: 58 of 1,614,098 alleles (0.0036%); highest among the groups gnomAD compares: African/African-American, 0.068%; no homozygotes.

Submissions (5):

Women's Health and Genetics/Laboratory Corporation of America, LabCorp
Classification: Benign. Last evaluated: 2026-04-03. Review status: criteria provided, single submitter. Criteria: LabCorp Variant Classification Summary - May 2015. Collection method: clinical testing. Allele origin: germline.

Labcorp Genetics (formerly Invitae), Labcorp
Classification: Likely benign for Long QT syndrome. Last evaluated: 2026-01-19. Review status: criteria provided, single submitter. Criteria: Invitae Variant Classification Sherloc (09022015). Collection method: clinical testing. Allele origin: germline.

GeneDx
Classification: Likely benign. Last evaluated: 2020-10-12. Review status: criteria provided, single submitter. Criteria: GeneDx Variant Classification Process June 2021. Collection method: clinical testing. Allele origin: germline. Affected: yes.

Ambry Genetics
Classification: Likely benign for Cardiovascular phenotype. Last evaluated: 2018-09-06. Review status: criteria provided, single submitter. Criteria: Ambry Variant Classification Scheme 2023. Collection method: clinical testing. Allele origin: germline.

PreventionGenetics, part of Exact Sciences
Classification: Likely benign for ANK2-related condition. Last evaluated: 2022-02-15. Review status: no assertion criteria provided. Collection method: clinical testing. Allele origin: germline. Not counted in ClinVar's aggregate classification.
Comment: This variant is classified as likely benign based on ACMG/AMP sequence variant interpretation guidelines (Richards et al. 2015 PMID: 25741868, with internal and published modifications).